The following is an entry in ClinVar:

NM_002386.4(MC1R):c.623T>C (p.Val208Ala)

Gene: MC1R (melanocortin 1 receptor; plus strand). Cytogenetic location: 16q24.3.
Variant type: single nucleotide variant.
Coding change: c.623T>C on transcript NM_002386.4 (MANE Select); coding-DNA position 623, T replaced by C.
Protein change: p.Val208Ala; replaces valine 208 with alanine.
Molecular consequence: missense variant.
Genome position (GRCh38, 1-based): chr16:89,919,881, T>C. VCF-style: chr16-89919881-T-C. GRCh37 (hg19) VCF-style: chr16-89986289-T-C.
Other names: short protein forms V208A.
Identifiers: ClinVar variation 1445398 (VCV001445398.8), dbSNP rs775798496, ClinGen allele CA286607568.

ClinVar aggregate classification (germline): Uncertain significance (1 of 4 stars; one submission).

Conditions:
Melanoma, cutaneous malignant, susceptibility to, 5. Also called: Cutaneous malignant melanoma 5. Identifiers: Orphanet 618, MedGen C2751295, MONDO:0013133, OMIM 613099.

Allele frequency attached by ClinVar (database versions not stated): gnomAD 0.00001; gnomAD exomes 0.00002 and 0.00001; TOPMed 0.00002.

Submission:

Labcorp Genetics (formerly Invitae), Labcorp
Classification: Uncertain significance for Melanoma, cutaneous malignant, susceptibility to, 5. Last evaluated: 2025-06-04. Review status: criteria provided, single submitter. Criteria: Invitae Variant Classification Sherloc (09022015). Collection method: clinical testing. Allele origin: germline.
Comment: This sequence change replaces valine, which is neutral and non-polar, with alanine, which is neutral and non-polar, at codon 208 of the MC1R protein (p.Val208Ala). This variant is present in population databases (rs775798496, gnomAD 0.002%). This missense change has been observed in individual(s) with melanoma (PMID: 26800492). ClinVar contains an entry for this variant (Variation ID: 1445398). Invitae Evidence Modeling of protein sequence and biophysical properties (such as structural, functional, and spatial information, amino acid conservation, physicochemical variation, residue mobility, and thermodynamic stability) indicates that this missense variant is not expected to disrupt MC1R protein function with a negative predictive value of 80%. In summary, the available evidence is currently insufficient to determine the role of this variant in disease. Therefore, it has been classified as a Variant of Uncertain Significance.

Literature cited by the submitters: PubMed 26800492.